The following is an entry in ClinVar:

NM_001009944.3(PKD1):c.9712+32_9713-26del

Gene: PKD1 (polycystin 1, transient receptor potential channel interacting; minus strand). Cytogenetic location: 16p13.3.
Variant type: Deletion.
Coding change: c.9712+32_9713-26del on transcript NM_001009944.3 (MANE Select); 32 bases into the intron after coding-DNA position 9712 through 26 bases into the intron before coding-DNA position 9713, 38 bases deleted.
Molecular consequence: intron variant.
Genome position (GRCh38, 1-based): chr16:2,100,097-2,100,134, 38 bases deleted; deleting any 38 consecutive bases within chr16:2,100,097-2,100,136 gives the same sequence; the c. name uses the placement nearest the transcript's 3' end. GRCh37 (hg19): chr16:2,150,100-2,150,137.
Other names: c.9712+32_9713-26del (NM_000296.4).
Identifiers: ClinVar variation 4855508 (VCV004855508.1).

ClinVar aggregate classification (germline): Uncertain significance (1 of 4 stars; one submission).

Conditions:
Polycystic kidney disease, adult type (PKD1). Also called: Polycystic Kidney, Autosomal Dominant; POLYCYSTIC KIDNEY DISEASE, ADULT, TYPE I; Polycystic Kidney Disease 1, Autosomal Dominant; Polycystic kidney disease 1; Polycystic kidney disease 1, severe; POLYCYSTIC KIDNEY DISEASE 1 WITH OR WITHOUT POLYCYSTIC LIVER DISEASE. Identifiers: MedGen C3149841, MONDO:0008263, OMIM 173900.

Submission:

3billion
Classification: Uncertain significance for Polycystic kidney disease, adult type. Last evaluated: 2026-01-16. Review status: criteria provided, single submitter. Criteria: ACMG Guidelines, 2015. Collection method: clinical testing. Allele origin: germline. Affected: yes.
Comment: The variant is not observed in the gnomAD v4.1.0 dataset. Predicted Consequence/Location: Intron variant In silico tools predict the variant to alter splicing and produce an abnormal transcript [SpliceAI: 0.37 (>=0.2, moderate evidence for spliceogenicity)]. Therefore, this variant is classified as VUS according to the recommendation of ACMG/AMP guideline.